The following is an entry in ClinVar:

ClinVar aggregate classification (germline): Uncertain significance. Review status: criteria provided, multiple submitters, no conflicts (2 of 4 stars). 3 submissions from 3 submitters: Uncertain significance (3). Last evaluated 2023-12-13.

Conditions:
Hereditary diffuse gastric adenocarcinoma (HDGC). Also called: DIFFUSE GASTRIC AND LOBULAR BREAST CANCER SYNDROME. Identifiers: Orphanet 26106, MedGen C1708349, MONDO:0007648, OMIM 137215.
Hereditary cancer-predisposing syndrome. Also called: Tumor predisposition; Neoplastic Syndromes, Hereditary; Hereditary Cancer Syndrome; Hereditary neoplastic syndrome. Identifiers: Orphanet 140162, MedGen C0027672, MeSH D009386, MONDO:0015356.

Submissions (3):

Quest Diagnostics Nichols Institute San Juan Capistrano
Classification: Uncertain significance. Last evaluated: 2023-12-13. Review status: criteria provided, single submitter. Criteria: Quest Diagnostics criteria. Collection method: clinical testing. Allele origin: unknown.
Comment: The CDH1 c.1406C>G (p.Ser469Cys) variant has not been reported in individuals with CDH1-related conditions in the published literature. It also has not been reported in large, multi-ethnic general populations (Genome Aggregation Database). Analysis of this variant using bioinformatics tools for the prediction of the effect of amino acid changes on protein structure and function yielded predictions that this variant is damaging. Based on the available information, we are unable to determine the clinical significance of this variant.

Labcorp Genetics (formerly Invitae), Labcorp
Classification: Uncertain significance for Hereditary diffuse gastric adenocarcinoma. Last evaluated: 2023-09-05. Review status: criteria provided, single submitter. Criteria: Invitae Variant Classification Sherloc (09022015). Collection method: clinical testing. Allele origin: germline.
Comment: This variant has not been reported in the literature in individuals affected with CDH1-related conditions. This sequence change replaces serine, which is neutral and polar, with cysteine, which is neutral and slightly polar, at codon 469 of the CDH1 protein (p.Ser469Cys). This variant is not present in population databases (gnomAD no frequency). ClinVar contains an entry for this variant (Variation ID: 1771902). An algorithm developed to predict the effect of missense changes on protein structure and function (PolyPhen-2) suggests that this variant is likely to be disruptive. Algorithms developed to predict the effect of sequence changes on RNA splicing suggest that this variant may disrupt the consensus splice site. In summary, the available evidence is currently insufficient to determine the role of this variant in disease. Therefore, it has been classified as a Variant of Uncertain Significance.

Ambry Genetics
Classification: Uncertain significance for Hereditary cancer-predisposing syndrome. Last evaluated: 2019-09-27. Review status: criteria provided, single submitter. Criteria: Ambry Variant Classification Scheme 2023. Collection method: clinical testing. Allele origin: germline.
Comment: The p.S469C variant (also known as c.1406C>G), located in coding exon 10 of the CDH1 gene, results from a C to G substitution at nucleotide position 1406. The serine at codon 469 is replaced by cysteine, an amino acid with dissimilar properties. This amino acid position is well conserved in available vertebrate species. In addition, the in silico prediction for this alteration is inconclusive. Since supporting evidence is limited at this time, the clinical significance of this alteration remains unclear.

NM_004360.5(CDH1):c.1406C>G (p.Ser469Cys)

Gene: CDH1 (cadherin 1; plus strand). Cytogenetic location: 16q22.1.
Variant type: single nucleotide variant.
Coding change: c.1406C>G on transcript NM_004360.5 (MANE Select); coding-DNA position 1406, C replaced by G.
Protein change: p.Ser469Cys; replaces serine 469 with cysteine.
Molecular consequence: missense variant. On other transcripts: 5 prime UTR variant (2).
Genome position (GRCh38, 1-based): chr16:68,815,600, C>G. VCF-style: chr16-68815600-C-G. GRCh37 (hg19) VCF-style: chr16-68849503-C-G.
Other names: c.1223C>G, p.Ser408Cys (NM_001317184.2); c.-143C>G (NM_001317185.2); c.-414C>G (NM_001317186.2); c.1406C>G (NM_004360.4); short protein forms S469C, S408C.
Identifiers: ClinVar variation 1771902 (VCV001771902.6), dbSNP rs2152134847, ClinGen allele CA396462929.